The following is an entry in ClinVar:

NM_001267550.2(TTN):c.11397A>T (p.Glu3799Asp)

Gene: TTN (titin; minus strand). Cytogenetic location: 2q31.2.
Variant type: single nucleotide variant.
Coding change: c.11397A>T on transcript NM_001267550.2 (MANE Select); coding-DNA position 11397, A replaced by T.
Protein change: p.Glu3799Asp; replaces glutamic acid 3799 with aspartic acid.
Molecular consequence: missense variant. On other transcripts: intron variant (1).
Genome position (GRCh38, 1-based): chr2:178,741,836, T>A on the plus strand (A>T on the coding strand, the complement: TTN is on the minus strand). VCF-style: chr2-178741836-T-A. GRCh37 (hg19) VCF-style: chr2-179606563-T-A.
Other names: c.10446A>T, p.Glu3482Asp (NM_001256850.1); c.10308A>T, p.Glu3436Asp (NM_003319.4); c.10683A>T, p.Glu3561Asp (NM_133432.3); c.10884A>T, p.Glu3628Asp (NM_133437.4); c.10361-3476A>T (NM_133378.4); short protein forms E3436D, E3482D, E3561D, E3628D, E3799D.
Identifiers: ClinVar variation 3344559 (VCV003344559.1).
Genomic context (GRCh38, chr2:178,741,836, plus strand): 5'-GCCAGTGCCTTCCTTTTCGGAATCAAATTTAGTTGGGTAAACTGGAGATTCAGACAAAAG[T>A]TCAAGTGTTTCATTTATTTTAGATAATTGAAGTTCGGCGCTATGAAGTCCTTCTTCCTCG-3'
Protein context (NP_001254479.2, residues 3789-3809): LQLSKINETL[Glu3799Asp]LLSESPVYPT

ClinVar aggregate classification (germline): Uncertain significance (0 of 4 stars; one submission).

Conditions:
TTN-related disorder. Also called: TTN-related disorders; TTN-related condition; TTN-related disease.

Submission:

PreventionGenetics, part of Exact Sciences
Classification: Uncertain significance for TTN-related condition. Last evaluated: 2024-04-03. Review status: no assertion criteria provided. Collection method: clinical testing. Allele origin: germline.
Comment: The TTN c.11397A>T variant is predicted to result in the amino acid substitution p.Glu3799Asp. To our knowledge, this variant has not been reported in the literature or in a large population database, indicating this variant is rare. At this time, the clinical significance of this variant is uncertain due to the absence of conclusive functional and genetic evidence.